The following is an entry in ClinVar:

NM_002878.4(RAD51D):c.666A>G (p.Glu222=)

Genes: RAD51D (RAD51 paralog D; minus strand), RAD51L3-RFFL (RAD51L3-RFFL readthrough; minus strand). Cytogenetic location: 17q12.
Variant type: single nucleotide variant.
Coding change: c.666A>G on transcript NM_002878.4 (MANE Select); coding-DNA position 666, A replaced by G.
Protein change: p.Glu222=; no amino-acid change (glutamic acid 222 retained).
Molecular consequence: synonymous variant. On other transcripts: non-coding transcript variant (3).
Genome position (GRCh38, 1-based): chr17:35,103,455, T>C on the plus strand (A>G on the coding strand, the complement: RAD51D is on the minus strand). VCF-style: chr17-35103455-T-C. GRCh37 (hg19) VCF-style: chr17-33430474-T-C.
Other names: p.E222E:GAA>GAG; c.726A>G, p.Glu242= (NM_001142571.2); c.330A>G, p.Glu110= (NM_133629.3).
Identifiers: ClinVar variation 182852 (VCV000182852.39), dbSNP rs114012742, ClinGen allele CA299916.

ClinVar aggregate classification (germline): Benign/Likely benign. Review status: criteria provided, multiple submitters, no conflicts (2 of 4 stars). 17 submissions from 17 submitters: Benign (6); Likely benign (8). 3 of the submissions do not count toward it. Last evaluated 2026-02-03.

Conditions:
Hereditary cancer-predisposing syndrome. Also called: Hereditary Cancer Syndrome; Neoplastic Syndromes, Hereditary; Tumor predisposition; Hereditary neoplastic syndrome. Identifiers: Orphanet 140162, MedGen C0027672, MeSH D009386, MONDO:0015356.
Breast-ovarian cancer, familial, susceptibility to, 4. Identifiers: Orphanet 145, MedGen C3280345, MONDO:0013669, OMIM 614291.
Hereditary breast ovarian cancer syndrome. Also called: Breast and ovarian cancer; BRCA1- and BRCA2-Associated Hereditary Breast and Ovarian Cancer; Hereditary breast and ovarian cancer syndrome; Hereditary breast and ovarian cancer; Hereditary breast and/or ovarian cancer syndrome; Hereditary breast and ovarian cancer syndrome (HBOC). Identifiers: Orphanet 145, MedGen C0677776, MeSH D061325, MONDO:0003582. Disease mechanism: loss of function.

Allele frequency attached by ClinVar (database versions not stated): 1000 Genomes Project 0.00120; 1000 Genomes Project 30x 0.00109; gnomAD 0.00123 and 0.00131; TOPMed 0.00134; ESP Exome Variant Server 0.00200; gnomAD exomes 0.00035 and 0.00011; ExAC 0.00043.
gnomAD v4.1: 356 of 1,614,036 alleles (0.022%); highest among the groups gnomAD compares: African/African-American, 0.44%; no homozygotes.

Submissions (17):

Labcorp Genetics (formerly Invitae), Labcorp
Classification: Benign for Breast-ovarian cancer, familial, susceptibility to, 4. Last evaluated: 2026-02-03. Review status: criteria provided, single submitter. Criteria: Invitae Variant Classification Sherloc (09022015). Collection method: clinical testing. Allele origin: germline.

Dasa
Classification: Likely benign. Last evaluated: 2025-11-04. Review status: criteria provided, single submitter. Criteria: DASA Assertion Criteria. Collection method: clinical testing. Allele origin: germline.
Comment: NM_002878.4(RAD51D):c.666A>G (p.Glu222Glu) is a sequence variant. Multiple computational predictions support a deleterious effect on the gene or gene product. Based on the available data, this variant is classified as likely benign.

Center for Genomic Medicine, Rigshospitalet, Copenhagen University Hospital
Classification: Likely benign. Last evaluated: 2025-03-04. Review status: criteria provided, single submitter. Criteria: ACMG Guidelines, 2015. Collection method: clinical testing. Allele origin: germline.

Institute for Biomarker Research, Medical Diagnostic Laboratories, L.L.C.
Classification: Likely benign for Hereditary breast ovarian cancer syndrome. Last evaluated: 2024-10-15. Review status: criteria provided, single submitter. Criteria: ACMG Guidelines, 2015. Collection method: clinical testing. Allele origin: germline.
Comment: The synonymous variant NM_002878.4(RAD51D):c.666A>G (p.Glu222=) has been reported to ClinVar as Benign/Likely benign with a status of (2 stars) criteria provided, multiple submitters, no conflicts (Variation ID 182852 as of 2024-10-03). The p.Glu222= variant is observed in 80/16,256 (0.4921%) alleles from individuals of gnomAD African background in gnomAD, which is greater than expected for the disorder. The p.Glu222= variant is not predicted to disrupt the existing donor splice site 2bp upstream by any splice site algorithm. The p.Glu222= variant results in a substitution of a base that is not predicted conserved by GERP++ and PhyloP. For these reasons, this variant has been classified as Likely Benign.

Department of Pathology and Laboratory Medicine, Sinai Health System
Classification: Likely benign for Hereditary breast ovarian cancer syndrome. Last evaluated: 2023-05-09. Review status: criteria provided, single submitter. Criteria: ACMG Guidelines, 2015. Collection method: clinical testing. Allele origin: germline. Affected: yes.

Myriad Genetics, Inc.
Classification: Benign for Breast-ovarian cancer, familial, susceptibility to, 4. Last evaluated: 2023-04-06. Review status: criteria provided, single submitter. Criteria: Myriad Autosomal Dominant, Autosomal Recessive and X-Linked Classification Criteria (2023). Collection method: clinical testing. Allele origin: unknown.
Comment: This variant is considered benign. This variant is a silent/synonymous amino acid change and it is not expected to impact splicing.

Quest Diagnostics Nichols Institute San Juan Capistrano
Classification: Benign. Last evaluated: 2022-10-04. Review status: criteria provided, single submitter. Criteria: Quest Diagnostics criteria. Collection method: clinical testing. Allele origin: unknown.

Sema4
Classification: Likely benign for Hereditary cancer-predisposing syndrome. Last evaluated: 2021-05-17. Review status: criteria provided, single submitter. Criteria: Sema4 Curation Guidelines. Collection method: curation. Allele origin: germline.

ARUP Laboratories, Molecular Genetics and Genomics, ARUP Laboratories
Classification: Likely benign for Breast-ovarian cancer, familial, susceptibility to, 4. Last evaluated: 2021-04-02. Review status: criteria provided, single submitter. Criteria: ARUP Molecular Germline Variant Investigation Process 2021. Collection method: clinical testing. Allele origin: germline.

Ambry Genetics
Classification: Likely benign for Hereditary cancer-predisposing syndrome. Last evaluated: 2019-10-14. Review status: criteria provided, single submitter. Criteria: Ambry Variant Classification Scheme 2023. Collection method: clinical testing. Allele origin: germline.

PreventionGenetics, part of Exact Sciences
Classification: Benign. Last evaluated: 2017-06-07. Review status: criteria provided, single submitter. Criteria: ACMG Guidelines, 2015. Collection method: clinical testing. Allele origin: germline.

Color Diagnostics, LLC DBA Color Health
Classification: Benign for Hereditary cancer-predisposing syndrome. Last evaluated: 2015-10-15. Review status: criteria provided, single submitter. Criteria: ACMG Guidelines, 2015. Collection method: clinical testing. Allele origin: germline.

Eurofins Ntd Llc (ga)
Classification: Likely benign. Last evaluated: 2015-09-11. Review status: criteria provided, single submitter. Criteria: EGL Classification Definitions 2015. Collection method: clinical testing. Allele origin: germline. Observed: 1 variant allele, 1 heterozygote.

GeneDx
Classification: Benign. Last evaluated: 2014-08-06. Review status: criteria provided, single submitter. Criteria: GeneDx Variant Classification (06012015). Collection method: clinical testing. Allele origin: germline. Affected: yes.
Comment: This variant is considered likely benign or benign based on one or more of the following criteria: it is a conservative change, it occurs at a poorly conserved position in the protein, it is predicted to be benign by multiple in silico algorithms, and/or has population frequency not consistent with disease.

Genetic Services Laboratory, University of Chicago
Classification: Likely benign. Last evaluated: 2022-07-28. Review status: no assertion criteria provided. Collection method: clinical testing. Allele origin: germline. Affected: no. Not counted in ClinVar's aggregate classification.

True Health Diagnostics
Classification: Likely benign for Hereditary cancer-predisposing syndrome. Last evaluated: 2017-09-29. Review status: no assertion criteria provided. Collection method: clinical testing. Allele origin: germline. Not counted in ClinVar's aggregate classification.

Counsyl
Classification: Likely benign for Breast-ovarian cancer, familial, susceptibility to, 4. Last evaluated: 2016-07-26. Review status: no assertion criteria provided. Collection method: clinical testing. Allele origin: unknown. Not counted in ClinVar's aggregate classification.